The following is an entry in ClinVar:

NM_001042492.3(NF1):c.7255C>G (p.Leu2419Val)

Gene: NF1 (neurofibromin 1; plus strand). Cytogenetic location: 17q11.2.
Variant type: single nucleotide variant.
Coding change: c.7255C>G on transcript NM_001042492.3 (MANE Select); coding-DNA position 7255, C replaced by G.
Protein change: p.Leu2419Val; replaces leucine 2419 with valine.
Molecular consequence: missense variant.
Genome position (GRCh38, 1-based): chr17:31,349,185, C>G. VCF-style: chr17-31349185-C-G. GRCh37 (hg19) VCF-style: chr17-29676203-C-G.
Other names: c.7192C>G, p.Leu2398Val (NM_000267.4); short protein forms L2398V, L2419V.
Identifiers: ClinVar variation 4615771 (VCV004615771.1).

ClinVar aggregate classification (germline): Uncertain significance (1 of 4 stars; one submission).

Conditions:
Cardiovascular phenotype. Identifiers: MedGen CN230736.
Hereditary cancer-predisposing syndrome. Also called: Neoplastic Syndromes, Hereditary; Tumor predisposition; Hereditary Cancer Syndrome; Hereditary neoplastic syndrome. Identifiers: Orphanet 140162, MedGen C0027672, MeSH D009386, MONDO:0015356.

Submission:

Ambry Genetics
Classification: Uncertain significance for Cardiovascular phenotype; Hereditary cancer-predisposing syndrome. Last evaluated: 2025-10-26. Review status: criteria provided, single submitter. Criteria: Ambry Variant Classification Scheme 2023. Collection method: clinical testing. Allele origin: germline.
Comment: The p.L2398V variant (also known as c.7192C>G), located in coding exon 48 of the NF1 gene, results from a C to G substitution at nucleotide position 7192. The leucine at codon 2398 is replaced by valine, an amino acid with highly similar properties. This amino acid position is conserved. In addition, this alteration is predicted to be tolerated by in silico analysis. Based on the available evidence, the clinical significance of this variant remains unclear.